The following is an entry in ClinVar:

ClinVar aggregate classification (germline): Pathogenic/Likely pathogenic. Review status: criteria provided, multiple submitters, no conflicts (2 of 4 stars). 2 submissions from 2 submitters: Pathogenic (1); Likely pathogenic (1). Last evaluated 2025-10-25.

Conditions:
Wiskott-Aldrich syndrome (WAS). Also called: ALDRICH SYNDROME; IMMUNODEFICIENCY 2; WISKOTT-ALDRICH SYNDROME 1; Wiskott-aldrich syndrome, somatic. Identifiers: Orphanet 906, MedGen C0043194, MONDO:0010518, OMIM 301000.

Submissions (2):

3billion
Classification: Pathogenic for Wiskott-Aldrich syndrome. Last evaluated: 2025-10-25. Review status: criteria provided, single submitter. Criteria: ACMG Guidelines, 2015. Collection method: clinical testing. Allele origin: germline. Affected: yes.
Comment: The variant is not observed in the gnomAD v4.1.0 dataset. Predicted Consequence/Location: Stop-gained (nonsense): predicted to result in a loss or disruption of normal protein function through nonsense-mediated decay (NMD) or protein truncation. Multiple pathogenic variants are reported downstream of the variant. The variant has been reported to be associated with WAS-related disorder (ClinVar ID: VCV000495846 /PMID: 25931402). Therefore, this variant is classified as Pathogenic according to the recommendation of ACMG/AMP guideline.

Women's Health and Genetics/Laboratory Corporation of America, LabCorp
Classification: Likely pathogenic for Wiskott-Aldrich syndrome. Last evaluated: 2017-05-01. Review status: criteria provided, single submitter. Criteria: LabCorp Variant Classification Summary - May 2015. Collection method: clinical testing. Allele origin: germline.
Comment: Variant summary: The WAS c.290G>A (p.Trp97X) variant results in a premature termination codon, predicted to cause a truncated or absent WAS protein due to nonsense mediated decay, which are commonly known mechanisms for disease. Truncations downstream of this position have been classified as likely pathogenic/ pathogenic by our laboratory (e.g. c.569dupT (p.Pro192fsX15); c.763dupC (p.Gln255fsX5); c.826delA (p.Ile276fsX32); c.1271delG (p.Gly424fsX21); c.1271dupG (p.Leu425fsX70)). One in silico tool predicts a damaging outcome for this variant. The variant of interest has not been found in a large, broad control population, ExAC, 0/31705 control chromosomes. A publication cites the variant in an affected individual diagnosed. The variant of interest has not, to our knowledge, been reported in affected individuals via clinical diagnostic laboratories; nor evaluated for functional impact by in vivo/vitro studies. Taken together, this variant is classified as likely pathogenic.

Literature cited by the submitters: PubMed 25931402 (cited by 3billion and Women's Health and Genetics/Laboratory Corporation of America, LabCorp).

NM_000377.3(WAS):c.290G>A (p.Trp97Ter)

Gene: WAS (WASP actin nucleation promoting factor; plus strand). Cytogenetic location: Xp11.23.
Variant type: single nucleotide variant.
Coding change: c.290G>A on transcript NM_000377.3 (MANE Select); coding-DNA position 290, G replaced by A.
Protein change: p.Trp97Ter; replaces tryptophan 97 with a stop codon.
Molecular consequence: nonsense.
Genome position (GRCh38, 1-based): chrX:48,685,563, G>A. VCF-style: chrX-48685563-G-A. GRCh37 (hg19) VCF-style: chrX-48543952-G-A.
Other names: short protein forms W97*.
Identifiers: ClinVar variation 495846 (VCV000495846.2), dbSNP rs1557006474, ClinGen allele CA412866888.